The following is an entry in ClinVar:

NM_013266.4(CTNNA3):c.1775C>G (p.Ala592Gly)

Gene: CTNNA3 (catenin alpha 3; minus strand). Cytogenetic location: 10q21.3.
Variant type: single nucleotide variant.
Coding change: c.1775C>G on transcript NM_013266.4 (MANE Select); coding-DNA position 1775, C replaced by G.
Protein change: p.Ala592Gly; replaces alanine 592 with glycine.
Molecular consequence: missense variant.
Genome position (GRCh38, 1-based): chr10:66,280,579, G>C on the plus strand (C>G on the coding strand, the complement: CTNNA3 is on the minus strand). VCF-style: chr10-66280579-G-C. GRCh37 (hg19) VCF-style: chr10-68040337-G-C.
Other names: c.1775C>G, p.Ala592Gly (NM_001127384.3); short protein forms A592G.
Identifiers: ClinVar variation 2196880 (VCV002196880.5), dbSNP rs768797369, ClinGen allele CA5519819.

ClinVar aggregate classification (germline): Uncertain significance. Review status: criteria provided, multiple submitters, no conflicts (2 of 4 stars). 2 submissions from 2 submitters: Uncertain significance (2). Last evaluated 2025-08-08.

Conditions:
Arrhythmogenic right ventricular dysplasia 13. Also called: Arrhythmogenic right ventricular dysplasia, familial, 13; ARRHYTHMOGENIC RIGHT VENTRICULAR CARDIOMYOPATHY 13. Identifiers: MedGen C3810138, MONDO:0000908, OMIM 615616.
Congenital heart disease (CHD). Identifiers: MedGen C0152021, MONDO:0005453. Disease mechanism: unknown.

Allele frequency attached by ClinVar (database versions not stated): TOPMed below 0.00001.
gnomAD v4.1: 14 of 1,608,120 alleles (0.00087%); highest among the groups gnomAD compares: South Asian, 0.014%; no homozygotes.

Submissions (2):

Labcorp Genetics (formerly Invitae), Labcorp
Classification: Uncertain significance for Arrhythmogenic right ventricular dysplasia 13. Last evaluated: 2025-08-08. Review status: criteria provided, single submitter. Criteria: Invitae Variant Classification Sherloc (09022015). Collection method: clinical testing. Allele origin: germline.
Comment: This sequence change replaces alanine, which is neutral and non-polar, with glycine, which is neutral and non-polar, at codon 592 of the CTNNA3 protein (p.Ala592Gly). This variant is present in population databases (rs768797369, gnomAD 0.007%). This variant has not been reported in the literature in individuals affected with CTNNA3-related conditions. ClinVar contains an entry for this variant (Variation ID: 2196880). Invitae Evidence Modeling of protein sequence and biophysical properties (such as structural, functional, and spatial information, amino acid conservation, physicochemical variation, residue mobility, and thermodynamic stability) indicates that this missense variant is not expected to disrupt CTNNA3 protein function with a negative predictive value of 80%. In summary, the available evidence is currently insufficient to determine the role of this variant in disease. Therefore, it has been classified as a Variant of Uncertain Significance.

Department of Pathology and Laboratory Medicine, Sinai Health System
Classification: Uncertain significance for congenital heart disease. Last evaluated: 2020-07-17. Review status: criteria provided, single submitter. Criteria: ACMG Guidelines, 2015. Collection method: research. Allele origin: germline.